The following is an entry in ClinVar:

ClinVar aggregate classification (germline): Uncertain significance. Review status: criteria provided, multiple submitters, no conflicts (2 of 4 stars). 2 submissions from 2 submitters: Uncertain significance (2). Last evaluated 2022-12-31.

Conditions:
Long QT syndrome (LQTS). Identifiers: MedGen C0023976, MeSH D008133, MONDO:0002442. Disease mechanism: loss of function. Inheritance: Various modes of inheritance.

Submissions (2):

Labcorp Genetics (formerly Invitae), Labcorp
Classification: Uncertain significance for Long QT syndrome. Last evaluated: 2022-12-31. Review status: criteria provided, single submitter. Criteria: Invitae Variant Classification Sherloc (09022015). Collection method: clinical testing. Allele origin: germline.
Comment: This variant is not present in population databases (gnomAD no frequency). In summary, the available evidence is currently insufficient to determine the role of this variant in disease. Therefore, it has been classified as a Variant of Uncertain Significance. Algorithms developed to predict the effect of missense changes on protein structure and function are either unavailable or do not agree on the potential impact of this missense change (SIFT: "Deleterious"; PolyPhen-2: "Possibly Damaging"; Align-GVGD: "Class C0"). This variant has not been reported in the literature in individuals affected with AKAP9-related conditions. This sequence change replaces lysine, which is basic and polar, with glutamic acid, which is acidic and polar, at codon 3659 of the AKAP9 protein (p.Lys3659Glu).

Blueprint Genetics
Classification: Uncertain significance. Last evaluated: 2022-02-18. Review status: criteria provided, single submitter. Criteria: ACMG Guidelines, 2015. Collection method: clinical testing. Allele origin: germline.

NM_005751.5(AKAP9):c.10975A>G (p.Lys3659Glu)

Gene: AKAP9 (A-kinase anchoring protein 9; plus strand). Cytogenetic location: 7q21.2.
Variant type: single nucleotide variant.
Coding change: c.10975A>G on transcript NM_005751.5 (MANE Select); coding-DNA position 10975, A replaced by G.
Protein change: p.Lys3659Glu; replaces lysine 3659 with glutamic acid.
Molecular consequence: missense variant.
Genome position (GRCh38, 1-based): chr7:92,100,934, A>G. VCF-style: chr7-92100934-A-G. GRCh37 (hg19) VCF-style: chr7-91730248-A-G.
Other names: c.5620A>G, p.Lys1874Glu (NM_001379277.1); c.10951A>G, p.Lys3651Glu (NM_147185.3); short protein forms K3651E, K3659E, K1874E.
Identifiers: ClinVar variation 2795661 (VCV002795661.4), dbSNP rs2535311961, ClinGen allele CA368159932.